The following is an entry in ClinVar:

NM_032043.3(BRIP1):c.3716C>T (p.Ser1239Phe)

Gene: BRIP1 (BRCA1 interacting DNA helicase 1; minus strand). Cytogenetic location: 17q23.2.
Variant type: single nucleotide variant.
Coding change: c.3716C>T on transcript NM_032043.3 (MANE Select); coding-DNA position 3716, C replaced by T.
Protein change: p.Ser1239Phe; replaces serine 1239 with phenylalanine.
Molecular consequence: missense variant.
Genome position (GRCh38, 1-based): chr17:61,683,330, G>A on the plus strand (C>T on the coding strand, the complement: BRIP1 is on the minus strand). VCF-style: chr17-61683330-G-A. GRCh37 (hg19) VCF-style: chr17-59760691-G-A.
Other names: short protein forms S1239F.
Identifiers: ClinVar variation 3763571 (VCV003763571.2).
Genomic context (GRCh38, chr17:61,683,330, plus strand): 5'-TTACTTAGCTTGAGAGTTAAGTATTATTACTTAAAACCAGGAAACATGCCTTTATTTTTG[G>A]AAGGAGATGGTTTAAAGTTCTTTATTTCTATTTCATGAGTTTTTCCCAGTTCCAGTTCAT-3'
Protein context (NP_114432.2, residues 1229-1249): IEIKNFKPSP[Ser1239Phe]KNKGMFPGFK

ClinVar aggregate classification (germline): Uncertain significance (1 of 4 stars; one submission).

Conditions:
Fanconi anemia complementation group J. Also called: BRIP1-Related Fanconi Anemia. Identifiers: Orphanet 84, MedGen C1836860, MONDO:0012187, OMIM 609054.
Familial cancer of breast. Also called: BREAST CANCER, FAMILIAL; Hereditary breast cancer; hereditary breast carcinoma. Identifiers: Orphanet 227535, MedGen C0346153, MONDO:0016419, OMIM 114480. Disease mechanism: loss of function.

Submission:

Labcorp Genetics (formerly Invitae), Labcorp
Classification: Uncertain significance for Familial cancer of breast; Fanconi anemia complementation group J. Last evaluated: 2024-05-15. Review status: criteria provided, single submitter. Criteria: Invitae Variant Classification Sherloc (09022015). Collection method: clinical testing. Allele origin: germline.
Comment: This sequence change replaces serine, which is neutral and polar, with phenylalanine, which is neutral and non-polar, at codon 1239 of the BRIP1 protein (p.Ser1239Phe). This variant is not present in population databases (gnomAD no frequency). This variant has not been reported in the literature in individuals affected with BRIP1-related conditions. Algorithms developed to predict the effect of missense changes on protein structure and function output the following: SIFT: "Not Available"; PolyPhen-2: "Probably Damaging"; Align-GVGD: "Not Available". The phenylalanine amino acid residue is found in multiple mammalian species, which suggests that this missense change does not adversely affect protein function. In summary, the available evidence is currently insufficient to determine the role of this variant in disease. Therefore, it has been classified as a Variant of Uncertain Significance.